The following is an entry in ClinVar:

ClinVar aggregate classification (germline): Uncertain significance. Review status: criteria provided, multiple submitters, no conflicts (2 of 4 stars). 12 submissions from 10 submitters: Uncertain significance (9). 3 of the submissions do not count toward it. Last evaluated 2025-09-02.

Conditions:
Retinitis pigmentosa 39 (RP39). Identifiers: Orphanet 791, MedGen C3151138, MONDO:0013436, OMIM 613809.
Usher syndrome type 2A. Also called: USHER SYNDROME, TYPE IIA; RETINAL DISEASE IN USHER SYNDROME TYPE IIA, MODIFIER OF. Identifiers: Orphanet 231178, Orphanet 886, MedGen C1848634, MONDO:0010169, OMIM 276901.
Retinitis pigmentosa (RP). Identifiers: Orphanet 791, MedGen C0035334, MeSH D012174, MONDO:0019200, OMIM 268000. Inheritance: Autosomal dominant, autosomal recessive and X linked inheritance.
Retinal dystrophy. Also called: Inherited retinal dystrophy. Identifiers: Orphanet 71862, MedGen C0854723, MeSH D058499, MONDO:0019118, HP:0000556.

Allele frequency attached by ClinVar (database versions not stated): gnomAD exomes 0.00001; TOPMed 0.00002; gnomAD 0.00003.
gnomAD v4.1: 16 of 1,614,042 alleles (0.00099%); highest among the groups gnomAD compares: Non-Finnish European, 0.0014%; no homozygotes.

Submissions (12):

Labcorp Genetics (formerly Invitae), Labcorp
Classification: Uncertain significance. Last evaluated: 2025-09-02. Review status: criteria provided, single submitter. Criteria: Invitae Variant Classification Sherloc (09022015). Collection method: clinical testing. Allele origin: germline.
Comment: This sequence change replaces cysteine, which is neutral and slightly polar, with phenylalanine, which is neutral and non-polar, at codon 1195 of the USH2A protein (p.Cys1195Phe). This variant is present in population databases (rs727504652, gnomAD 0.007%). This missense change has been observed in individual(s) with USH2A-related conditions (PMID: 27208204, 34906470, 35266249). ClinVar contains an entry for this variant (Variation ID: 179130). Invitae Evidence Modeling of protein sequence and biophysical properties (such as structural, functional, and spatial information, amino acid conservation, physicochemical variation, residue mobility, and thermodynamic stability) indicates that this missense variant is not expected to disrupt USH2A protein function with a negative predictive value of 95%. In summary, the available evidence is currently insufficient to determine the role of this variant in disease. Therefore, it has been classified as a Variant of Uncertain Significance.

Blueprint Genetics
Classification: Uncertain significance. Last evaluated: 2024-04-23. Review status: criteria provided, single submitter. Criteria: ACMG Guidelines, 2015. Collection method: clinical testing. Allele origin: germline.

GeneDx
Classification: Uncertain significance. Last evaluated: 2023-11-28. Review status: criteria provided, single submitter. Criteria: GeneDx Variant Classification Process June 2021. Collection method: clinical testing. Allele origin: germline. Affected: yes.
Comment: Reported with additional variants in a patient with Usher syndrome in published literature (PMID: 27145477); Not observed at significant frequency in large population cohorts (gnomAD); In silico analysis supports that this missense variant has a deleterious effect on protein structure/function; This variant is associated with the following publications: (PMID: 26927203, 35266249, 27145477, 27208204)

Genome-Nilou Lab
Classification: Uncertain significance for Retinitis pigmentosa 39. Last evaluated: 2023-11-04. Review status: criteria provided, single submitter. Criteria: ACMG Guidelines, 2015. Collection method: clinical testing. Allele origin: germline. Affected: no.

Genome-Nilou Lab
Classification: Uncertain significance for Usher syndrome type 2A. Last evaluated: 2023-11-04. Review status: criteria provided, single submitter. Criteria: ACMG Guidelines, 2015. Collection method: clinical testing. Allele origin: germline. Affected: no.

Ocular Genomics Institute, Massachusetts Eye and Ear
Classification: Uncertain significance for Retinitis pigmentosa 39. Last evaluated: 2021-04-08. Review status: criteria provided, single submitter. Criteria: ACMG Guidelines, 2015. Collection method: research. Allele origin: germline. Affected: yes.
Comment: Through a review of available evidence we were able to apply the following criteria: PM2. Based on this evidence we have classified this variant as Variant of Uncertain Significance.

Illumina Laboratory Services, Illumina
Classification: Uncertain significance for Usher syndrome type 2A. Last evaluated: 2018-01-18. Review status: criteria provided, single submitter. Criteria: ICSL Variant Classification Criteria 13 December 2019. Collection method: clinical testing. Allele origin: germline.
Comment: This variant was observed as part of a predisposition screen in an ostensibly healthy population. A literature search was performed for the gene, cDNA change, and amino acid change (where applicable). Publications were found based on this search. However, the evidence from the literature, in combination with allele frequency data from public databases where available, was not sufficient to rule this variant in or out of causing disease. Therefore, this variant is classified as a variant of unknown significance.

Illumina Laboratory Services, Illumina
Classification: Uncertain significance for Retinitis pigmentosa. Last evaluated: 2018-01-18. Review status: criteria provided, single submitter. Criteria: ICSL Variant Classification Criteria 13 December 2019. Collection method: clinical testing. Allele origin: germline.

Laboratory for Molecular Medicine, Mass General Brigham Personalized Medicine
Classification: Uncertain significance. Last evaluated: 2013-09-27. Review status: criteria provided, single submitter. Criteria: LMM Criteria. Collection method: clinical testing. Allele origin: germline. Observed: 1 variant allele.
Comment: The Cys1195Phe variant in USH2A has not been previously reported in individuals with hearing loss or in large population studies. Computational analyses (bioch emical amino acid properties, conservation, AlignGVGD, PolyPhen2, and SIFT) do n ot provide strong support for or against an impact to the protein. In summary, a dditional data is needed to determine the clinical significance of this variant.

Natera, Inc.
Classification: Uncertain significance for Usher syndrome type 2A. Last evaluated: 2020-02-23. Review status: no assertion criteria provided. Collection method: clinical testing. Allele origin: germline. Not counted in ClinVar's aggregate classification.

Counsyl
Classification: Uncertain significance for Usher syndrome type 2A; Retinitis pigmentosa 39. Last evaluated: 2017-08-22. Review status: no assertion criteria provided. Collection method: clinical testing. Allele origin: unknown. Not counted in ClinVar's aggregate classification.

Centre for Genomic Medicine, Manchester, Central Manchester University Hospitals
Classification: Uncertain significance for Retinal dystrophy. Review status: no assertion criteria provided. Collection method: clinical testing. Allele origin: germline. Affected: yes. Not counted in ClinVar's aggregate classification.

Literature cited by the submitters: PubMed 27208204 (cited by 3 submitters); PubMed 34906470 (cited by Labcorp Genetics (formerly Invitae), Labcorp); PubMed 35266249 (cited by Labcorp Genetics (formerly Invitae), Labcorp); PubMed 26927203 (cited by 3 submitters).

NM_206933.4(USH2A):c.3584G>T (p.Cys1195Phe)

Genes: USH2A (usherin; minus strand), USH2A-AS1 (USH2A antisense RNA 1; plus strand). Cytogenetic location: 1q41.
Variant type: single nucleotide variant.
Coding change: c.3584G>T on transcript NM_206933.4 (MANE Select); coding-DNA position 3584, G replaced by T.
Protein change: p.Cys1195Phe; replaces cysteine 1195 with phenylalanine.
Molecular consequence: missense variant.
Genome position (GRCh38, 1-based): chr1:216,199,854, C>A on the plus strand (G>T on the coding strand, the complement: USH2A is on the minus strand). VCF-style: chr1-216199854-C-A. GRCh37 (hg19) VCF-style: chr1-216373196-C-A.
Other names: c.3584G>T, p.Cys1195Phe (NM_007123.6); short protein forms C1195F.
Identifiers: ClinVar variation 179130 (VCV000179130.24), dbSNP rs727504652, ClinGen allele CA183783.
Genomic context (GRCh38, chr1:216,199,854, plus strand): 5'-TTGGCAAATGGAACCAGATTCCAGATGGTAGCTGAGGTTTCATGACCTTCGTAGGAAACA[C>A]ATGGCTGACCACCAGCCAAAGGGGCACAGGACAAAATATATTTCTCTATGGGACCAGATT-3'
Protein context (NP_996816.3, residues 1185-1205): SCAPLAGGQP[Cys1195Phe]VSYEGHETSA